The following is an entry in ClinVar:

ClinVar aggregate classification (germline): Uncertain significance (1 of 4 stars; one submission).

Conditions:
Multiple endocrine neoplasia, type 2 (MEN2). Identifiers: Orphanet 653, MedGen C4048306, MONDO:0019003. Disease mechanism: gain of function.

gnomAD v4.1: 3 of 1,614,216 alleles (0.00019%); highest among the groups gnomAD compares: Non-Finnish European, 0.00025%; no homozygotes.

Submission:

Labcorp Genetics (formerly Invitae), Labcorp
Classification: Uncertain significance for Multiple endocrine neoplasia, type 2. Last evaluated: 2023-10-23. Review status: criteria provided, single submitter. Criteria: Invitae Variant Classification Sherloc (09022015). Collection method: clinical testing. Allele origin: germline.
Comment: This sequence change replaces proline, which is neutral and non-polar, with serine, which is neutral and polar, at codon 181 of the RET protein (p.Pro181Ser). This variant is not present in population databases (gnomAD no frequency). This variant has not been reported in the literature in individuals affected with RET-related conditions. An algorithm developed to predict the effect of missense changes on protein structure and function (PolyPhen-2) suggests that this variant is likely to be disruptive. In summary, the available evidence is currently insufficient to determine the role of this variant in disease. Therefore, it has been classified as a Variant of Uncertain Significance.

NM_020975.6(RET):c.541C>T (p.Pro181Ser)

Gene: RET (ret proto-oncogene; plus strand). Cytogenetic location: 10q11.21.
Variant type: single nucleotide variant.
Coding change: c.541C>T on transcript NM_020975.6 (MANE Select); coding-DNA position 541, C replaced by T.
Protein change: p.Pro181Ser; replaces proline 181 with serine.
Molecular consequence: missense variant. On other transcripts: intron variant (15).
Genome position (GRCh38, 1-based): chr10:43,102,545, C>T. VCF-style: chr10-43102545-C-T. GRCh37 (hg19) VCF-style: chr10-43597993-C-T.
Other names: c.541C>T, p.Pro181Ser (NM_000323.2, NM_001406743.1, NM_001406744.1 and 16 more transcripts); c.412C>T, p.Pro138Ser (NM_001406761.1, NM_001406762.1, NM_001406764.1 and 4 more transcripts); c.337+1823C>T (NM_001406788.1, NM_001406789.1, NM_001406791.1 and 8 more transcripts); c.74-6486C>T (NM_001406784.1); c.74-9554C>T (NM_001406794.1, NM_001406792.1, NM_001406793.1); short protein forms P138S, P181S.
Identifiers: ClinVar variation 2771183 (VCV002771183.3), dbSNP rs2492162572, ClinGen allele CA376543425.